The following is an entry in ClinVar:

NM_001369.3(DNAH5):c.13331G>T (p.Trp4444Leu)

Gene: DNAH5 (dynein axonemal heavy chain 5; minus strand). Cytogenetic location: 5p15.2.
Variant type: single nucleotide variant.
Coding change: c.13331G>T on transcript NM_001369.3 (MANE Select); coding-DNA position 13331, G replaced by T.
Protein change: p.Trp4444Leu; replaces tryptophan 4444 with leucine.
Molecular consequence: missense variant.
Genome position (GRCh38, 1-based): chr5:13,708,130, C>A on the plus strand (G>T on the coding strand, the complement: DNAH5 is on the minus strand). VCF-style: chr5-13708130-C-A. GRCh37 (hg19) VCF-style: chr5-13708239-C-A.
Other names: short protein forms W4444L.
Identifiers: ClinVar variation 578135 (VCV000578135.10), dbSNP rs1060501467, ClinGen allele CA359196292.
Genomic context (GRCh38, chr5:13,708,130, plus strand): 5'-AACTCTTCACAATCATAAGTGAACAGGCAGAATAACAGCAGGCTTATACGTACTTTTTTC[C>A]ACCAAGCAGGGATTCTAGCATCAAACATGCAATCCAATGCATCTCGCAGATTTTCGCTCA-3'
Protein context (NP_001360.1, residues 4434-4454): CMFDARIPAW[Trp4444Leu]KKASWISSTL

ClinVar aggregate classification (germline): Uncertain significance. Review status: criteria provided, single submitter (1 of 4 stars). 2 submissions from 2 submitters: Uncertain significance (1). 1 of the submissions does not count toward it. Last evaluated 2018-01-02.

Conditions:
Primary ciliary dyskinesia. Also called: Ciliary dyskinesia. Identifiers: Orphanet 244, MedGen C0008780, MONDO:0016575, HP:0012265.

Submissions (2):

Labcorp Genetics (formerly Invitae), Labcorp
Classification: Uncertain significance for Primary ciliary dyskinesia. Last evaluated: 2018-01-02. Review status: criteria provided, single submitter. Criteria: Invitae Variant Classification Sherloc (09022015). Collection method: clinical testing. Allele origin: germline.
Comment: In summary, the available evidence is currently insufficient to determine the role of this variant in disease. Therefore, it has been classified as a Variant of Uncertain Significance. Algorithms developed to predict the effect of missense changes on protein structure and function do not agree on the potential impact of this missense change (SIFT: "Deleterious"; PolyPhen-2: "Possibly Damaging"; Align-GVGD: "Class C0"). This variant has not been reported in the literature in individuals with DNAH5-related disease. This variant is not present in population databases (ExAC no frequency). This sequence change replaces tryptophan with leucine at codon 4444 of the DNAH5 protein (p.Trp4444Leu). The tryptophan residue is highly conserved and there is a small physicochemical difference between tryptophan and leucine.

Natera, Inc.
Classification: Uncertain significance for Primary ciliary dyskinesia. Last evaluated: 2020-01-07. Review status: no assertion criteria provided. Collection method: clinical testing. Allele origin: germline. Not counted in ClinVar's aggregate classification.